The following is an entry in ClinVar:

ClinVar aggregate classification (germline): Conflicting classifications of pathogenicity. Review status: criteria provided, conflicting classifications (1 of 4 stars). 5 submissions from 5 submitters: Uncertain significance (4); Likely benign (1). Last evaluated 2026-01-22.

Conditions:
Hereditary hemorrhagic telangiectasia (HHT). Also called: ORW DISEASE; Osler Weber Rendu syndrome; OSLER-RENDU-WEBER DISEASE; Osler hemorrhagic telangiectasia syndrome. Identifiers: Orphanet 774, MedGen C0039445, MONDO:0019180. Disease mechanism: loss of function.
Telangiectasia, hereditary hemorrhagic, type 1 (HHT1). Also called: Osler Weber Rendu syndrome type 1; ENG-Related Hereditary Hemorrhagic Telangiectasia. Identifiers: Orphanet 774, MedGen C4551861, MONDO:0008535, OMIM 187300. Disease mechanism: loss of function.
Cardiovascular phenotype. Identifiers: MedGen CN230736.

Allele frequency attached by ClinVar (database versions not stated): TOPMed 0.00001; gnomAD 0.00002 and 0.00001; 1000 Genomes Project 0.00020; 1000 Genomes Project 30x 0.00016.
gnomAD v4.1: 58 of 1,596,604 alleles (0.0036%); highest among the groups gnomAD compares: Admixed American, 0.0087%; no homozygotes.

Submissions (6):

Ambry Genetics
Classification: Likely benign for Cardiovascular phenotype. Last evaluated: 2026-01-22. Review status: criteria provided, single submitter. Criteria: Ambry Variant Classification Scheme 2023. Collection method: clinical testing. Allele origin: germline.

GeneDx
Classification: Uncertain significance. Last evaluated: 2025-04-16. Review status: criteria provided, single submitter. Criteria: GeneDx Variant Classification Process June 2021. Collection method: clinical testing. Allele origin: germline. Affected: yes.
Comment: In silico analysis supports that this missense variant has a deleterious effect on protein structure/function; Has not been previously published as pathogenic or benign to our knowledge

Labcorp Genetics (formerly Invitae), Labcorp
Classification: Uncertain significance for Hereditary hemorrhagic telangiectasia. Last evaluated: 2024-12-02. Review status: criteria provided, single submitter. Criteria: Invitae Variant Classification Sherloc (09022015). Collection method: clinical testing. Allele origin: germline.
Comment: This sequence change replaces threonine, which is neutral and polar, with methionine, which is neutral and non-polar, at codon 617 of the ENG protein (p.Thr617Met). The frequency data for this variant in the population databases is considered unreliable, as metrics indicate poor data quality at this position in the gnomAD database. This variant has not been reported in the literature in individuals affected with ENG-related conditions. ClinVar contains an entry for this variant (Variation ID: 810423). Invitae Evidence Modeling of protein sequence and biophysical properties (such as structural, functional, and spatial information, amino acid conservation, physicochemical variation, residue mobility, and thermodynamic stability) indicates that this missense variant is expected to disrupt ENG protein function with a positive predictive value of 95%. In summary, the available evidence is currently insufficient to determine the role of this variant in disease. Therefore, it has been classified as a Variant of Uncertain Significance.

Fulgent Genetics
Classification: Uncertain significance for Telangiectasia, hereditary hemorrhagic, type 1. Last evaluated: 2024-06-10. Review status: criteria provided, single submitter. Criteria: ACMG Guidelines, 2015. Collection method: clinical testing. Allele origin: germline.

Mayo Clinic Laboratories, Mayo Clinic
Classification: Uncertain significance. Last evaluated: 2021-04-08. Review status: criteria provided, single submitter. Criteria: ACMG Guidelines, 2015. Collection method: clinical testing. Allele origin: germline.

Dr. Peter K. Rogan Lab, Western University
No classification provided (evidence only). Condition: Malignant lymphoma, large B-cell, diffuse. Review status: no classification provided. Collection method: in vitro. Allele origin: not applicable. Functional consequence: retained intron. Not counted in ClinVar's aggregate classification.

NM_001114753.3(ENG):c.1850C>T (p.Thr617Met)

Gene: ENG (endoglin; minus strand). Cytogenetic location: 9q34.11.
Variant type: single nucleotide variant.
Coding change: c.1850C>T on transcript NM_001114753.3 (MANE Select); coding-DNA position 1850, C replaced by T.
Protein change: p.Thr617Met; replaces threonine 617 with methionine.
Molecular consequence: missense variant.
Genome position (GRCh38, 1-based): chr9:127,815,945, G>A on the plus strand (C>T on the coding strand, the complement: ENG is on the minus strand). VCF-style: chr9-127815945-G-A. GRCh37 (hg19) VCF-style: chr9-130578224-G-A.
Other names: p.Thr617Met; c.1850C>T, p.Thr617Met (NM_000118.4); c.1304C>T, p.Thr435Met (NM_001278138.2); c.1850C>T (NM_000118.2, NM_001114753.1); short protein forms T617M, T435M.
Identifiers: ClinVar variation 810423 (VCV000810423.26), dbSNP rs201031046, ClinGen allele CA5252620.